The following is an entry in ClinVar:

ClinVar aggregate classification (germline): Uncertain significance (1 of 4 stars; one submission).

Conditions:
Auriculocondylar syndrome 2 (ARCND2A). Also called: AURICULOCONDYLAR SYNDROME 2A. Identifiers: Orphanet 137888, MedGen C3553404, MONDO:0013845, OMIM 614669.

Submission:

Neuberg Centre For Genomic Medicine, NCGM
Classification: Uncertain significance for Auriculocondylar syndrome 2. Review status: criteria provided, single submitter. Criteria: ACMG Guidelines, 2015. Collection method: clinical testing. Allele origin: germline. Inheritance: Autosomal dominant inheritance. Affected: yes.
Comment: The missense variant c.2681A>Cp.Lys894Thr in PLCB4 gene has not been reported previously as a pathogenic variant nor as a benign variant, to our knowledge. The p.Lys894Thr variant is novel not in any individuals in gnomAD Exomes and 1000 Genomes. This variant has not been reported to the ClinVar database. The amino acid change p.Lys894Thr in PLCB4 is predicted as conserved by GERP++ and PhyloP across 100 vertebrates. The amino acid Lys at position 894 is changed to a Thr changing protein sequence and it might alter its composition and physico-chemical properties. For these reasons, this variant has been classified as Uncertain Significance VUS.

NM_001377142.1(PLCB4):c.2681A>C (p.Lys894Thr)

Gene: PLCB4 (phospholipase C beta 4; plus strand). Cytogenetic location: 20p12.2.
Variant type: single nucleotide variant.
Coding change: c.2681A>C on transcript NM_001377142.1 (MANE Select); coding-DNA position 2681, A replaced by C.
Protein change: p.Lys894Thr; replaces lysine 894 with threonine.
Molecular consequence: missense variant.
Genome position (GRCh38, 1-based): chr20:9,437,069, A>C. VCF-style: chr20-9437069-A-C. GRCh37 (hg19) VCF-style: chr20-9417716-A-C.
Other names: c.2645A>C, p.Lys882Thr (NM_000933.4, NM_001377134.2, NM_001377135.1 and 2 more transcripts); c.2681A>C, p.Lys894Thr (NM_001172646.2, NM_001377143.1); short protein forms K882T, K894T.
Identifiers: ClinVar variation 3234864 (VCV003234864.1), dbSNP rs2515930339, ClinGen allele CA408216010.
Genomic context (GRCh38, chr20:9,437,069, plus strand): 5'-TAGCCGACGTGCCCAGTGACACTTCCAAAAATGACAAGAAAGGAAAGGCCAACACCGCCA[A>C]AGCAAATGTGACCCCTCAGAGTAGCTCTGAGCTCAGACCAACCACCACGGCTGCCCTGGC-3'
Protein context (NP_001364071.1, residues 884-904): NDKKGKANTA[Lys894Thr]ANVTPQSSSE